The following is an entry in ClinVar:

NM_000168.6(GLI3):c.3229_3244del (p.Ser1077fs)

Gene: GLI3 (GLI family zinc finger 3; minus strand). Cytogenetic location: 7p14.1.
Variant type: Deletion.
Coding change: c.3229_3244del on transcript NM_000168.6 (MANE Select); coding-DNA positions 3229 to 3244, 16 bases deleted (TCCCTGACCATGGACG).
Protein change: p.Ser1077fs; shifts the reading frame from serine 1077.
Molecular consequence: frameshift variant.
Genome position (GRCh38, 1-based): chr7:41,965,829-41,965,844, CGTCCATGGTCAGGGA deleted on the plus strand (TCCCTGACCATGGACG on the coding strand, the reverse complement: GLI3 is on the minus strand); deleting any 16 consecutive bases within chr7:41,965,829-41,965,845 gives the same sequence; the c. name uses the placement nearest the transcript's 3' end. VCF-style (leftmost placement, unchanged base first): chr7-41965828-GCGTCCATGGTCAGGGA-G. GRCh37 (hg19) VCF-style: chr7-42005426-GCGTCCATGGTCAGGGA-G.
Other names: NP_000159.3:p.(Ser1077LeufsTer5); short protein forms S1077fs.
Identifiers: ClinVar variation 4852532 (VCV004852532.1).

ClinVar aggregate classification (germline): Pathogenic (1 of 4 stars; one submission).

Conditions:
Pallister-Hall syndrome (PHS). Also called: GLI3-Related Pallister-Hall Syndrome; HYPOTHALAMIC HAMARTOBLASTOMA, HYPOPITUITARISM, IMPERFORATE ANUS, AND POSTAXIAL POLYDACTYLY. Identifiers: Orphanet 672, MedGen C0265220, MONDO:0007804, OMIM 146510.

Submission:

Centro de Investigaciones Endocrinológicas “Dr. César Bergadá” (CEDIE), Unidad de Investigacion Traslacional (UIT), Hospital de Niños Dr. Ricardo Gutiérrez
Classification: Pathogenic for Pallister-Hall syndrome. Last evaluated: 2026-05-08. Review status: criteria provided, single submitter. Criteria: Institutional Variant Interpretation Framework ClinVar CEDIE Version 1. Collection method: clinical testing. Allele origin: paternal, somatic, germline. Inheritance: Autosomal dominant inheritance. Affected: yes. Observed: 3 variant alleles, 2 heterozygotes, 1 mosaic individual. Clinical features observed: Hypothalamic hamartoma (HP:0002444), Postaxial hand polydactyly (HP:0001162), Syndactyly (HP:0001159), Cleft palate (HP:0000175), Fetal growth restriction (HP:0001511), Short stature (HP:0004322), Anal atresia (HP:0002023), Renal hypoplasia (HP:0000089), Global developmental delay (HP:0001263), Hand polydactyly (HP:0001161), Hypospadias (HP:0000047), Premature birth (HP:0001622).
Comment: GLI3 encodes a zinc finger transcription factor that functions as a key mediator of the Hedgehog signaling pathway. It can act both as a transcriptional activator and as a transcriptional repressor, depending on its proteolytic processing and cellular context. Precise regulation of GLI3 activity is essential for normal morphogenesis and tissue differentiation, specially for embryonic development of the limbs, craniofacial structures, and central nervous system. The GLI3 variant NM_000168.6:c.3229_3244del is a small deletion that removes 16 nucleotides in exon 15. It results in a frameshift starting at codon 1077 and introduces a premature termination codon five amino acids downstream in the altered reading frame, predicting a truncated GLI3 protein that would lack the transactivation domain, NP_000159.3:p.(Ser1077Leufs*5). Analysis of the effect of this variant with NMDEscape and AutoPVS1 predictors indicate that mutant mRNA would escape nonsense mediated decay. The resulting truncated protein would have mainly a repressor activity. Truncating variants affecting the central portion of the protein are known to be associated to Pallister Hall syndrome. Given that the mechanism of disease does not involve nonsense-mediated decay, PVS1 criterion was not downgraded as suggested by ClinGen general specifications but was applied with full strength (PVS1). It has not been previously reported in population databases (absent in GnomAD), variant databases (ClinVar, HGMD, LOVD, OMIM) or the literature; (PM2_supp). We have detected NM_000168.6:c.3229_3244del as a germinal heterozygous variant in 2 unrelated patients with clinical characteristics typical of Pallister Hall syndrome. (PS4_supp). In summary, the available evidence supports the classification of this variant as Pathogenic (PM2_supporting, PVS1, PS4_supp) according to ACMG criteria and the recommendations of the ClinGen Sequence Variant Interpretation Working Group (SVI WG).